The following is an entry in ClinVar:

NG_011706.1:g.10587_63081del

Genes: FANCA (FA complementation group A; minus strand), LOC130059837 (ATAC-STARR-seq lymphoblastoid active region 11420; plus strand), LOC130059838 (ATAC-STARR-seq lymphoblastoid active region 11421; plus strand). Cytogenetic location: 16q24.3.
Variant type: Deletion.
Identifiers: ClinVar variation 632556 (VCV000632556.2).

ClinVar aggregate classification (germline): Pathogenic (0 of 4 stars; one submission).

Conditions:
Fanconi anemia (FA). Also called: Fanconi's anemia. Identifiers: Orphanet 84, MedGen C0015625, MeSH D005199, MONDO:0019391.

Submission:

Molecular Genetics and Enzymology, National Research Centre
Classification: Pathogenic for Fanconi anemia. Last evaluated: 2017-02-01. Review status: no assertion criteria provided. Collection method: research. Allele origin: germline. Affected: yes. Observed: 4 variant alleles.
Comment: this mutaton is asociated with severe Fanconi anemia patient